The following is an entry in ClinVar:

ClinVar aggregate classification (germline): Uncertain significance (1 of 4 stars; one submission).

Conditions:
Gorlin syndrome. Also called: Nevoid Basal Cell Carcinoma Syndrome; Basal cell nevus syndrome. Identifiers: Orphanet 377, MedGen C0004779, MONDO:0007187.

Allele frequency attached by ClinVar (database versions not stated): gnomAD exomes below 0.00001; ExAC 0.00001; gnomAD 0.00001; TOPMed 0.00001.
gnomAD v4.1: 3 of 1,614,074 alleles (0.00019%); highest among the groups gnomAD compares: South Asian, 0.0011%; no homozygotes.

Submission:

Labcorp Genetics (formerly Invitae), Labcorp
Classification: Uncertain significance for Gorlin syndrome. Last evaluated: 2021-11-17. Review status: criteria provided, single submitter. Criteria: Invitae Variant Classification Sherloc (09022015). Collection method: clinical testing. Allele origin: germline.
Comment: In summary, the available evidence is currently insufficient to determine the role of this variant in disease. Therefore, it has been classified as a Variant of Uncertain Significance. This sequence change replaces serine, which is neutral and polar, with phenylalanine, which is neutral and non-polar, at codon 528 of the PTCH2 protein (p.Ser528Phe). This variant is present in population databases (rs746773302, gnomAD 0.003%). This variant has not been reported in the literature in individuals affected with PTCH2-related conditions. Algorithms developed to predict the effect of missense changes on protein structure and function are either unavailable or do not agree on the potential impact of this missense change (SIFT: "Tolerated"; PolyPhen-2: "Probably Damaging"; Align-GVGD: "Class C15").

NM_003738.5(PTCH2):c.1583C>T (p.Ser528Phe)

Gene: PTCH2 (patched 2; minus strand). Cytogenetic location: 1p34.1.
Variant type: single nucleotide variant.
Coding change: c.1583C>T on transcript NM_003738.5 (MANE Select); coding-DNA position 1583, C replaced by T.
Protein change: p.Ser528Phe; replaces serine 528 with phenylalanine.
Molecular consequence: missense variant.
Genome position (GRCh38, 1-based): chr1:44,828,513, G>A on the plus strand (C>T on the coding strand, the complement: PTCH2 is on the minus strand). VCF-style: chr1-44828513-G-A. GRCh37 (hg19) VCF-style: chr1-45294185-G-A.
Other names: c.1583C>T, p.Ser528Phe (NM_001166292.2); short protein forms S528F.
Identifiers: ClinVar variation 1424770 (VCV001424770.6), dbSNP rs746773302, ClinGen allele CA823265.